The following is an entry in ClinVar:

NM_000141.5(FGFR2):c.749-6576T>G

Gene: FGFR2 (fibroblast growth factor receptor 2; minus strand). Cytogenetic location: 10q26.13.
Variant type: single nucleotide variant.
Coding change: c.749-6576T>G on transcript NM_000141.5 (MANE Select); 6576 bases into the intron before coding-DNA position 749, T replaced by G.
Molecular consequence: intron variant. On other transcripts: nonsense (1).
Genome position (GRCh38, 1-based): chr10:121,526,745, A>C on the plus strand (T>G on the coding strand, the complement: FGFR2 is on the minus strand). VCF-style: chr10-121526745-A-C. GRCh37 (hg19) VCF-style: chr10-123286259-A-C.
Other names: c.8T>G, p.Leu3Ter (NM_001320654.2); c.749-11426T>G (NM_001144914.1); c.404-6576T>G (NM_001144918.2, NM_001441091.1, NM_001441090.1 and 1 more transcripts); c.482-6576T>G (NM_001441089.1, NM_023029.3, NM_001441088.1 and 2 more transcripts); c.749-6576T>G (NM_001144917.2, NM_001320658.2, NM_001441087.1 and 2 more transcripts); short protein forms L3*.
Identifiers: ClinVar variation 2634723 (VCV002634723.1), dbSNP rs1369216734, ClinGen allele CA378331756.
Genomic context (GRCh38, chr10:121,526,745, plus strand): 5'-CTAGAATAGATGAGTGGGCTGGGATGCTGGGCACCCAGAATCACCTGTTTTGTTTTGTTT[A>C]AACACATTTCTGTGGAAGGTCACTGGTTTGTTGCCCTTTCTCCCTCACAGGCTTGGCACA-3'

ClinVar aggregate classification (germline): Uncertain significance (1 of 4 stars; one submission).

Conditions:
FGFR2-related disorder. Identifiers: MedGen CN380096.

Allele frequency attached by ClinVar (database versions not stated): TOPMed 0.00003.
gnomAD v4.1: 10 of 398,476 alleles (0.0025%); highest among the groups gnomAD compares: Non-Finnish European, 0.004%; no homozygotes.

Submission:

PreventionGenetics, part of Exact Sciences
Classification: Uncertain significance for FGFR2-related condition. Last evaluated: 2023-06-23. Review status: criteria provided, single submitter. Criteria: ACMG Guidelines, 2015. Collection method: clinical testing. Allele origin: germline.
Comment: The FGFR2 c.8T>G variant is predicted to result in premature protein termination (p.Leu3*). However, this variant resides in an alternatively spliced exon with evidence of low expression. It is deep intronic in the primary transcript (NM_000141.4:c.749-6576T>G). To our knowledge, this variant has not been reported in the literature. This variant is reported in 0.0065% of alleles in individuals of European (Non-Finnish) descent in gnomAD. At this time, the clinical significance of this variant is uncertain due to the absence of conclusive functional and genetic evidence.